The following is an entry in ClinVar:

ClinVar aggregate classification (germline): Benign/Likely benign. Review status: criteria provided, multiple submitters, no conflicts (2 of 4 stars). 7 submissions from 7 submitters: Benign (4); Likely benign (2). 1 of the submissions does not count toward it. Last evaluated 2026-01-20.

Conditions:
ADGRV1-related disorder. Also called: ADGRV1-related disorders; ADGRV1-related condition.
Usher syndrome type 2C. Also called: Usher syndrome, type 2B; USHER SYNDROME, TYPE IIC. Identifiers: Orphanet 231178, Orphanet 886, MedGen C2931213, MONDO:0011558, OMIM 605472.

Allele frequency attached by ClinVar (database versions not stated): gnomAD exomes 0.00017 and 0.00037; ExAC 0.00110; gnomAD 0.00209 and 0.00221; 1000 Genomes Project 30x 0.00219; 1000 Genomes Project 0.00220; ESP Exome Variant Server 0.00228; TOPMed 0.00231.
gnomAD v4.1: 548 of 1,449,268 alleles (0.038%); highest among the groups gnomAD compares: African/African-American, 0.65%; 2 homozygotes.

Submissions (7):

Labcorp Genetics (formerly Invitae), Labcorp
Classification: Benign. Last evaluated: 2026-01-20. Review status: criteria provided, single submitter. Criteria: Invitae Variant Classification Sherloc (09022015). Collection method: clinical testing. Allele origin: germline.

Illumina Laboratory Services, Illumina
Classification: Benign for Usher syndrome type 2C. Last evaluated: 2025-04-08. Review status: criteria provided, single submitter. Criteria: ICSLVariantClassificationCriteria RUGD 01 April 2020. Collection method: clinical testing. Allele origin: unknown.

Blueprint Genetics
Classification: Likely benign. Last evaluated: 2024-11-01. Review status: criteria provided, single submitter. Criteria: ACMG Guidelines, 2015. Collection method: clinical testing. Allele origin: germline.

GeneDx
Classification: Benign. Last evaluated: 2019-01-14. Review status: criteria provided, single submitter. Criteria: GeneDx Variant Classification Process June 2021. Collection method: clinical testing. Allele origin: germline. Affected: yes.

Eurofins Ntd Llc (ga)
Classification: Likely benign. Last evaluated: 2016-05-26. Review status: criteria provided, single submitter. Criteria: EGL Classification Definitions 2015. Collection method: clinical testing. Allele origin: germline. Observed: 2 variant alleles, 2 heterozygotes.

Laboratory for Molecular Medicine, Mass General Brigham Personalized Medicine
Classification: Benign. Last evaluated: 2012-04-30. Review status: criteria provided, single submitter. Criteria: LMM Criteria. Collection method: clinical testing. Allele origin: germline. Observed: 5 variant alleles.
Comment: Ile155Val in Exon 05 of GPR98: This variant is not expected to have clinical sig nificance because it has been identified in 0.7% (23/3260) of African American c hromosomes from a broad population by the NHLBI Exome Sequencing Project.

PreventionGenetics, part of Exact Sciences
Classification: Likely benign for ADGRV1-related condition. Last evaluated: 2019-08-29. Review status: no assertion criteria provided. Collection method: clinical testing. Allele origin: germline. Not counted in ClinVar's aggregate classification.
Comment: This variant is classified as likely benign based on ACMG/AMP sequence variant interpretation guidelines (Richards et al. 2015 PMID: 25741868, with internal and published modifications).

NM_032119.4(ADGRV1):c.463A>G (p.Ile155Val)

Gene: ADGRV1 (adhesion G protein-coupled receptor V1; plus strand). Cytogenetic location: 5q14.3.
Variant type: single nucleotide variant.
Coding change: c.463A>G on transcript NM_032119.4 (MANE Select); coding-DNA position 463, A replaced by G.
Protein change: p.Ile155Val; replaces isoleucine 155 with valine.
Molecular consequence: missense variant. On other transcripts: non-coding transcript variant (1).
Genome position (GRCh38, 1-based): chr5:90,622,606, A>G. VCF-style: chr5-90622606-A-G. GRCh37 (hg19) VCF-style: chr5-89918423-A-G.
Other names: short protein forms I155V.
Identifiers: ClinVar variation 46330 (VCV000046330.27), dbSNP rs199873924, ClinGen allele CA138134.
Genomic context (GRCh38, chr5:90,622,606, plus strand): 5'-ATACCTCTGATTGCTCAGCTCCTGATCATCTGTGCTTGCTTTCCTCAATAGCTTCCCTCA[A>G]TCGCAGTGAGTGAGCCCAAGGGCAGAAATGAGTCTATGCCTCTTACTCTCATCAGGGAAA-3'
Protein context (NP_115495.3, residues 145-165): GIISFNMLPS[Ile155Val]AVSEPKGRNE